The following is an entry in ClinVar:

ClinVar aggregate classification (germline): Uncertain significance. Review status: criteria provided, multiple submitters, no conflicts (2 of 4 stars). 4 submissions from 4 submitters: Uncertain significance (4). Last evaluated 2024-11-08.

Conditions:
Colorectal cancer, susceptibility to, 1. Also called: COLORECTAL ADENOMA AND CANCER, SUSCEPTIBILITY TO; COLORECTAL CANCER, SUSCEPTIBILITY TO, ON CHROMOSOME 9. Identifiers: MedGen C1837315, MONDO:0012132, OMIM 608812.

Allele frequency attached by ClinVar (database versions not stated): gnomAD exomes 0.00001 and 0.00002; gnomAD 0.00002; TOPMed 0.00003; ExAC 0.00006.
gnomAD v4.1: 10 of 1,566,342 alleles (0.00064%); highest among the groups gnomAD compares: African/African-American, 0.0054%; no homozygotes.

Submissions (4):

Ambry Genetics
Classification: Uncertain significance. Last evaluated: 2024-11-08. Review status: criteria provided, single submitter. Criteria: Ambry Variant Classification Scheme 2023. Collection method: clinical testing. Allele origin: germline.
Comment: The p.Y106C variant (also known as c.317A>G), located in coding exon 1 of the GALNT12 gene, results from an A to G substitution at nucleotide position 317. The tyrosine at codon 106 is replaced by cysteine, an amino acid with highly dissimilar properties. This amino acid position is highly conserved in available vertebrate species. In addition, the in silico prediction for this alteration is inconclusive. Since supporting evidence is limited at this time, the clinical significance of this alteration remains unclear.

Labcorp Genetics (formerly Invitae), Labcorp
Classification: Uncertain significance. Last evaluated: 2024-10-16. Review status: criteria provided, single submitter. Criteria: Invitae Variant Classification Sherloc (09022015). Collection method: clinical testing. Allele origin: germline.
Comment: This sequence change replaces tyrosine, which is neutral and polar, with cysteine, which is neutral and slightly polar, at codon 106 of the GALNT12 protein (p.Tyr106Cys). This variant is present in population databases (rs777089837, gnomAD 0.02%). This variant has not been reported in the literature in individuals affected with GALNT12-related conditions. ClinVar contains an entry for this variant (Variation ID: 1517018). Invitae Evidence Modeling of protein sequence and biophysical properties (such as structural, functional, and spatial information, amino acid conservation, physicochemical variation, residue mobility, and thermodynamic stability) indicates that this missense variant is not expected to disrupt GALNT12 protein function with a negative predictive value of 80%. In summary, the available evidence is currently insufficient to determine the role of this variant in disease. Therefore, it has been classified as a Variant of Uncertain Significance.

Blueprint Genetics
Classification: Uncertain significance. Last evaluated: 2024-05-06. Review status: criteria provided, single submitter. Criteria: ACMG Guidelines, 2015. Collection method: clinical testing. Allele origin: germline.

Department of Pathology and Laboratory Medicine, Sinai Health System
Classification: Uncertain significance for Colorectal cancer, susceptibility to, 1. Last evaluated: 2023-09-05. Review status: criteria provided, single submitter. Criteria: ACMG Guidelines, 2015. Collection method: clinical testing. Allele origin: germline. Affected: yes.

NM_024642.5(GALNT12):c.317A>G (p.Tyr106Cys)

Gene: GALNT12 (polypeptide N-acetylgalactosaminyltransferase 12; plus strand). Cytogenetic location: 9q22.33.
Variant type: single nucleotide variant.
Coding change: c.317A>G on transcript NM_024642.5 (MANE Select); coding-DNA position 317, A replaced by G.
Protein change: p.Tyr106Cys; replaces tyrosine 106 with cysteine.
Molecular consequence: missense variant.
Genome position (GRCh38, 1-based): chr9:98,808,015, A>G. VCF-style: chr9-98808015-A-G. GRCh37 (hg19) VCF-style: chr9-101570297-A-G.
Other names: short protein forms Y106C.
Identifiers: ClinVar variation 1517018 (VCV001517018.13), dbSNP rs777089837, ClinGen allele CA5153908.